The following is an entry in ClinVar:

ClinVar aggregate classification (germline): Uncertain significance (1 of 4 stars; one submission).

Conditions:
Neurodevelopmental disorder with speech or visual impairment and brain hypomyelination. Identifiers: MedGen C5975545, MONDO:0976125, OMIM 621034.

Submission:

Clinical Genetics Laboratory, University Hospital Schleswig-Holstein
Classification: Uncertain significance for Neurodevelopmental disorder with speech or visual impairment and brain hypomyelination. Last evaluated: 2025-11-14. Review status: criteria provided, single submitter. Criteria: ACMG Guidelines, 2015. Collection method: clinical testing. Allele origin: maternal. Affected: yes. Observed: 1 heterozygote.
Comment: ACMG criteria applied: PM2, PVS1_Moderate

NM_005998.5(CCT3):c.1000C>T (p.Arg334Ter)

Gene: CCT3 (chaperonin containing TCP1 subunit 3; minus strand). Cytogenetic location: 1q22.
Variant type: single nucleotide variant.
Coding change: c.1000C>T on transcript NM_005998.5 (MANE Select); coding-DNA position 1000, C replaced by T.
Protein change: p.Arg334Ter; replaces arginine 334 with a stop codon.
Molecular consequence: nonsense. On other transcripts: non-coding transcript variant (2).
Genome position (GRCh38, 1-based): chr1:156,312,196, G>A on the plus strand (C>T on the coding strand, the complement: CCT3 is on the minus strand). VCF-style: chr1-156312196-G-A. GRCh37 (hg19) VCF-style: chr1-156281987-G-A.
Other names: c.886C>T, p.Arg296Ter (NM_001008800.3); short protein forms R296*, R334*.
Identifiers: ClinVar variation 4891281 (VCV004891281.1).